The following is an entry in ClinVar:

NM_001282860.2(GON4L):c.6042G>A (p.Gln2014=)

Gene: GON4L (gon-4 like; minus strand). Cytogenetic location: 1q22.
Variant type: single nucleotide variant.
Coding change: c.6042G>A on transcript NM_001282860.2 (MANE Select); coding-DNA position 6042, G replaced by A.
Protein change: p.Gln2014=; no amino-acid change (glutamine 2014 retained).
Molecular consequence: synonymous variant.
Genome position (GRCh38, 1-based): chr1:155,752,391, C>T on the plus strand (G>A on the coding strand, the complement: GON4L is on the minus strand). VCF-style: chr1-155752391-C-T. GRCh37 (hg19) VCF-style: chr1-155722182-C-T.
Other names: c.6042G>A, p.Gln2014= (NM_001282856.2); c.6039G>A, p.Gln2013= (NM_001282858.2).
Identifiers: ClinVar variation 3052123 (VCV003052123.2), dbSNP rs528896667, ClinGen allele CA1150046.
Genomic context (GRCh38, chr1:155,752,391, plus strand): 5'-ATCCCAGACCAGCATCAAAGCCTCTGACTCACTCACTGCCTTTTGGCCCTCCCTCTCTTT[C>T]TGAAGTCTGGGGGATGCCTTGGGGCAGGAGCGAACCTCAGGCCCAACCTGGTTTCTCTTA-3'
Protein context (NP_001269789.1, residues 2004-2024): RSCPKASPRL[Gln2014=]KEREGQKAVS

ClinVar aggregate classification (germline): Likely benign (0 of 4 stars; one submission).

Conditions:
GON4L-related disorder. Also called: GON4L-related condition.

Allele frequency attached by ClinVar (database versions not stated): gnomAD exomes below 0.00001; gnomAD 0.00001; TOPMed 0.00001; ExAC 0.00003; 1000 Genomes Project 30x 0.00016; 1000 Genomes Project 0.00020.
gnomAD v4.1: 3 of 1,589,324 alleles (0.00019%); highest among the groups gnomAD compares: African/African-American, 0.004%; no homozygotes.

Submission:

PreventionGenetics, part of Exact Sciences
Classification: Likely benign for GON4L-related condition. Last evaluated: 2022-11-01. Review status: no assertion criteria provided. Collection method: clinical testing. Allele origin: germline.
Comment: This variant is classified as likely benign based on ACMG/AMP sequence variant interpretation guidelines (Richards et al. 2015 PMID: 25741868, with internal and published modifications).